The following is an entry in ClinVar:

ClinVar aggregate classification (germline): Uncertain significance. Review status: criteria provided, multiple submitters, no conflicts (2 of 4 stars). 7 submissions from 7 submitters: Uncertain significance (7). Last evaluated 2025-11-30.

Conditions:
Aortic aneurysm, familial thoracic 4 (AAT4). Also called: AORTIC ANEURYSM/AORTIC DISSECTION AND PATENT DUCTUS ARTERIOSUS. Identifiers: MedGen C1851504, MONDO:0007568, OMIM 132900.
Familial thoracic aortic aneurysm and aortic dissection (TAAD). Also called: Thoracic aortic aneurysms and dissections. Identifiers: Orphanet 91387, MedGen C4707243, MONDO:0019625.

Allele frequency attached by ClinVar (database versions not stated): TOPMed below 0.00001; ExAC 0.00001; gnomAD 0.00001; gnomAD exomes 0.00001 and 0.00002; ESP Exome Variant Server 0.00008.
gnomAD v4.1: 33 of 1,612,748 alleles (0.002%); highest among the groups gnomAD compares: Middle Eastern, 0.016%; no homozygotes.

Submissions (7):

Labcorp Genetics (formerly Invitae), Labcorp
Classification: Uncertain significance for Aortic aneurysm, familial thoracic 4. Last evaluated: 2025-11-30. Review status: criteria provided, single submitter. Criteria: Invitae Variant Classification Sherloc (09022015). Collection method: clinical testing. Allele origin: germline.
Comment: This sequence change replaces serine, which is neutral and polar, with leucine, which is neutral and non-polar, at codon 359 of the MYH11 protein (p.Ser359Leu). This variant is present in population databases (rs147496115, gnomAD 0.003%). This variant has not been reported in the literature in individuals affected with MYH11-related conditions. ClinVar contains an entry for this variant (Variation ID: 519949). Invitae Evidence Modeling of protein sequence and biophysical properties (such as structural, functional, and spatial information, amino acid conservation, physicochemical variation, residue mobility, and thermodynamic stability) indicates that this missense variant is not expected to disrupt MYH11 protein function with a negative predictive value of 95%. In summary, the available evidence is currently insufficient to determine the role of this variant in disease. Therefore, it has been classified as a Variant of Uncertain Significance.

All of Us Research Program, National Institutes of Health
Classification: Uncertain significance for Familial thoracic aortic aneurysm and aortic dissection. Last evaluated: 2024-03-05. Review status: criteria provided, single submitter. Criteria: ACMG Guidelines, 2015. Collection method: clinical testing. Allele origin: germline. Inheritance: Autosomal dominant inheritance. Observed: 3 variant alleles, 3 heterozygotes.
Comment: This missense variant replaces serine with leucine at codon 359 of the MYH11 protein. Computational prediction is inconclusive regarding the impact of this variant on protein structure and function (internally defined REVEL score threshold 0.5 < inconclusive < 0.7, PMID: 27666373). To our knowledge, functional studies have not been reported for this variant. This variant has not been reported in individuals affected with cardiovascular disorders in the literature. This variant has been identified in 3/251218 chromosomes in the general population by the Genome Aggregation Database (gnomAD). The available evidence is insufficient to determine the role of this variant in disease conclusively. Therefore, this variant is classified as a Variant of Uncertain Significance.

This study involves interpretation of variants in research participants for the purpose of population health screening. Participant phenotype was not available at the time of variant classification. Additional details can be found in publication PMID: 35346344, PMCID: PMC8962531

GeneDx
Classification: Uncertain significance. Last evaluated: 2024-01-04. Review status: criteria provided, single submitter. Criteria: GeneDx Variant Classification Process June 2021. Collection method: clinical testing. Allele origin: germline. Affected: yes.
Comment: Has not been previously published as pathogenic or benign to our knowledge; Not observed at significant frequency in large population cohorts (gnomAD); At the mRNA level, in silico analysis suggests this variant may impact gene splicing. In the absence of RNA/functional studies, the actual effect of this sequence change is unknown.; At the protein level, in silico analysis supports that this missense variant has a deleterious effect on protein structure/function

Color Diagnostics, LLC DBA Color Health
Classification: Uncertain significance for Familial thoracic aortic aneurysm and aortic dissection. Last evaluated: 2023-05-08. Review status: criteria provided, single submitter. Criteria: ACMG Guidelines, 2015. Collection method: clinical testing. Allele origin: germline.
Comment: This missense variant replaces serine with leucine at codon 359 of the MYH11 protein. Computational prediction is inconclusive regarding the impact of this variant on protein structure and function (internally defined REVEL score threshold 0.5 < inconclusive < 0.7, PMID: 27666373). To our knowledge, functional studies have not been reported for this variant. This variant has not been reported in individuals affected with cardiovascular disorders in the literature. This variant has been identified in 3/251218 chromosomes in the general population by the Genome Aggregation Database (gnomAD). The available evidence is insufficient to determine the role of this variant in disease conclusively. Therefore, this variant is classified as a Variant of Uncertain Significance.

Ambry Genetics
Classification: Uncertain significance for Familial thoracic aortic aneurysm and aortic dissection. Last evaluated: 2021-03-05. Review status: criteria provided, single submitter. Criteria: Ambry Variant Classification Scheme 2023. Collection method: clinical testing. Allele origin: germline.
Comment: The p.S352L variant (also known as c.1055C>T), located in coding exon 9 of the MYH11 gene, results from a C to T substitution at nucleotide position 1055. The serine at codon 352 is replaced by leucine, an amino acid with dissimilar properties. This amino acid position is not well conserved in available vertebrate species. In addition, the in silico prediction for this alteration is inconclusive. Since supporting evidence is limited at this time, the clinical significance of this alteration remains unclear.

Mayo Clinic Laboratories, Mayo Clinic
Classification: Uncertain significance. Last evaluated: 2019-10-07. Review status: criteria provided, single submitter. Criteria: ACMG Guidelines, 2015. Collection method: clinical testing. Allele origin: germline. Observed: 1 variant allele.

CeGaT Center for Human Genetics Tuebingen
Classification: Uncertain significance. Last evaluated: 2018-04-01. Review status: criteria provided, single submitter. Criteria: CeGaT Center For Human Genetics Tuebingen Variant Classification Criteria Version 2. Collection method: clinical testing. Allele origin: germline. Affected: yes. Observed: 1 variant allele.

NM_002474.3(MYH11):c.1055C>T (p.Ser352Leu)

Gene: MYH11 (myosin heavy chain 11; minus strand). Cytogenetic location: 16p13.11.
Variant type: single nucleotide variant.
Coding change: c.1055C>T on transcript NM_002474.3 (MANE Select); coding-DNA position 1055, C replaced by T.
Protein change: p.Ser352Leu; replaces serine 352 with leucine.
Molecular consequence: missense variant.
Genome position (GRCh38, 1-based): chr16:15,763,870, G>A on the plus strand (C>T on the coding strand, the complement: MYH11 is on the minus strand). VCF-style: chr16-15763870-G-A. GRCh37 (hg19) VCF-style: chr16-15857727-G-A.
Other names: c.1076C>T, p.Ser359Leu (NM_001040113.2, NM_001040114.2); c.1055C>T, p.Ser352Leu (NM_022844.3); short protein forms S352L, S359L.
Identifiers: ClinVar variation 519949 (VCV000519949.62), dbSNP rs147496115, ClinGen allele CA7922738.